The following is an entry in ClinVar:

NM_001999.4(FBN2):c.46C>G (p.Leu16Val)

Gene: FBN2 (fibrillin 2; minus strand). Cytogenetic location: 5q23.3.
Variant type: single nucleotide variant.
Coding change: c.46C>G on transcript NM_001999.4 (MANE Select); coding-DNA position 46, C replaced by G.
Protein change: p.Leu16Val; replaces leucine 16 with valine.
Molecular consequence: missense variant.
Genome position (GRCh38, 1-based): chr5:128,537,558, G>C on the plus strand (C>G on the coding strand, the complement: FBN2 is on the minus strand). VCF-style: chr5-128537558-G-C. GRCh37 (hg19) VCF-style: chr5-127873251-G-C.
Other names: short protein forms L16V.
Identifiers: ClinVar variation 3605462 (VCV003605462.2).

ClinVar aggregate classification (germline): Uncertain significance (1 of 4 stars; one submission).

Conditions:
Congenital contractural arachnodactyly (CCA). Also called: BEALS SYNDROME; Beals-Hecht syndrome; Arthrogryposis, distal, type 9. Identifiers: Orphanet 115, MedGen C0220668, MONDO:0007363, OMIM 121050.

gnomAD v4.1: 2 of 1,603,148 alleles (0.00012%); highest among the groups gnomAD compares: Non-Finnish European, 0.00017%; no homozygotes.

Submission:

Labcorp Genetics (formerly Invitae), Labcorp
Classification: Uncertain significance for Congenital contractural arachnodactyly. Last evaluated: 2024-07-03. Review status: criteria provided, single submitter. Criteria: Invitae Variant Classification Sherloc (09022015). Collection method: clinical testing. Allele origin: germline.
Comment: This sequence change replaces leucine, which is neutral and non-polar, with valine, which is neutral and non-polar, at codon 16 of the FBN2 protein (p.Leu16Val). This variant is not present in population databases (gnomAD no frequency). This variant has not been reported in the literature in individuals affected with FBN2-related conditions. Advanced modeling of protein sequence and biophysical properties (such as structural, functional, and spatial information, amino acid conservation, physicochemical variation, residue mobility, and thermodynamic stability) performed at Invitae indicates that this missense variant is not expected to disrupt FBN2 protein function with a negative predictive value of 95%. In summary, the available evidence is currently insufficient to determine the role of this variant in disease. Therefore, it has been classified as a Variant of Uncertain Significance.